The following is an entry in ClinVar:

NM_002055.5(GFAP):c.755A>C (p.Glu252Ala)

Gene: GFAP (glial fibrillary acidic protein; minus strand). Cytogenetic location: 17q21.31.
Variant type: single nucleotide variant.
Coding change: c.755A>C on transcript NM_002055.5 (MANE Select); coding-DNA position 755, A replaced by C.
Protein change: p.Glu252Ala; replaces glutamic acid 252 with alanine.
Molecular consequence: missense variant.
Genome position (GRCh38, 1-based): chr17:44,913,294, T>G on the plus strand (A>C on the coding strand, the complement: GFAP is on the minus strand). VCF-style: chr17-44913294-T-G. GRCh37 (hg19) VCF-style: chr17-42990662-T-G.
Other names: c.755A>C, p.Glu252Ala (NM_001131019.3, NM_001242376.3, NM_001363846.2); short protein forms E252A.
Identifiers: ClinVar variation 3602867 (VCV003602867.2).

ClinVar aggregate classification (germline): Uncertain significance (1 of 4 stars; one submission).

Submission:

GeneDx
Classification: Uncertain significance. Last evaluated: 2026-09-10. Review status: criteria provided, single submitter. Criteria: GeneDx Variant Classification Process June 2021. Collection method: clinical testing. Allele origin: germline.
Comment: Not observed at significant frequency in large population cohorts (gnomAD); In silico analysis supports that this missense variant has a deleterious effect on protein structure/function; Has not been previously published as pathogenic or benign to our knowledge